The following is an entry in ClinVar:

NM_005188.4(CBL):c.2678G>C (p.Arg893Pro)

Gene: CBL (Cbl proto-oncogene; plus strand). Cytogenetic location: 11q23.3.
Variant type: single nucleotide variant.
Coding change: c.2678G>C on transcript NM_005188.4 (MANE Select); coding-DNA position 2678, G replaced by C.
Protein change: p.Arg893Pro; replaces arginine 893 with proline.
Molecular consequence: missense variant.
Genome position (GRCh38, 1-based): chr11:119,299,738, G>C. VCF-style: chr11-119299738-G-C. GRCh37 (hg19) VCF-style: chr11-119170448-G-C.
Other names: short protein forms R893P.
Identifiers: ClinVar variation 4805509 (VCV004805509.1).

ClinVar aggregate classification (germline): Uncertain significance (1 of 4 stars; one submission).

Conditions:
RASopathy. Also called: Noonan spectrum disorder; rasopathies. Identifiers: Orphanet 536391, MedGen C5555857, MONDO:0021060.

Submission:

Labcorp Genetics (formerly Invitae), Labcorp
Classification: Uncertain significance for RASopathy. Last evaluated: 2025-02-18. Review status: criteria provided, single submitter. Criteria: Invitae Variant Classification Sherloc (09022015). Collection method: clinical testing. Allele origin: germline.
Comment: This sequence change replaces arginine, which is basic and polar, with proline, which is neutral and non-polar, at codon 893 of the CBL protein (p.Arg893Pro). This variant is not present in population databases (gnomAD no frequency). This variant has not been reported in the literature in individuals affected with CBL-related conditions. Invitae Evidence Modeling of protein sequence and biophysical properties (such as structural, functional, and spatial information, amino acid conservation, physicochemical variation, residue mobility, and thermodynamic stability) indicates that this missense variant is expected to disrupt CBL protein function with a positive predictive value of 95%. In summary, the available evidence is currently insufficient to determine the role of this variant in disease. Therefore, it has been classified as a Variant of Uncertain Significance.